The following is an entry in ClinVar:

NM_000053.4(ATP7B):c.*469G>A

Genes: ATP7B (ATPase copper transporting beta; minus strand), TMEM272 (transmembrane protein 272; minus strand). Cytogenetic location: 13q14.3.
Variant type: single nucleotide variant.
Coding change: c.*469G>A on transcript NM_000053.4 (MANE Select); 469 bases downstream of the stop codon, G replaced by A.
Molecular consequence: 3 prime UTR variant.
Genome position (GRCh38, 1-based): chr13:51,934,287, C>T on the plus strand (G>A on the coding strand, the complement: ATP7B is on the minus strand). VCF-style: chr13-51934287-C-T. GRCh37 (hg19) VCF-style: chr13-52508423-C-T.
Other names: c.*469G>A (NM_001406541.1, NM_001406542.1, NM_001406543.1 and 37 more transcripts).
Identifiers: ClinVar variation 4540617 (VCV004540617.1).
Genomic context (GRCh38, chr13:51,934,287, plus strand): 5'-AAAAGGAACAGACTATGTACGAAGAAAGGAACAGACTATGCAGGAAGAAAGCAACAGGCA[C>T]ACCTGAGGTAAACTGTGGTCTCAGAAACATGATGCACACAGACAGGCGTCATCAGAAAGA-3'

ClinVar aggregate classification (germline): Likely benign (1 of 4 stars; one submission).

Conditions:
Wilson disease (WND). Also called: Wilson's disease. Identifiers: Orphanet 905, MedGen C0019202, MONDO:0010200, OMIM 277900. Disease mechanism: loss of function.

Submission:

Lildballe Lab, Aarhus University Hospital
Classification: Likely benign for Wilson disease. Last evaluated: 2024-08-29. Review status: criteria provided, single submitter. Criteria: ACMG Guidelines, 2015. Collection method: clinical testing. Allele origin: germline. Affected: yes.
Comment: BP7